The following is an entry in ClinVar:

ClinVar aggregate classification (germline): Likely benign. Review status: criteria provided, multiple submitters, no conflicts (2 of 4 stars). 2 submissions from 2 submitters: Likely benign (2). Last evaluated 2020-09-09.

Submissions (2):

Women's Health and Genetics/Laboratory Corporation of America, LabCorp
Classification: Likely benign. Last evaluated: 2020-09-09. Review status: criteria provided, single submitter. Criteria: LabCorp Variant Classification Summary - May 2015. Collection method: clinical testing. Allele origin: germline.
Comment: Variant summary: SLC25A15 c.623-6C>T alters a non-conserved nucleotide located close to a canonical splice site and therefore could affect mRNA splicing, leading to a significantly altered protein sequence. 4/4 computational tools predict no significant impact on normal splicing. However, these predictions have yet to be confirmed by functional studies. The variant allele was found at a frequency of 6.9e-05 in 246990 control chromosomes (gnomAD). To our knowledge, no occurrence of c.623-6C>T in individuals affected with Hyperornithinemia-Hyperammonemia-Homocitrullinuria Syndrome and no experimental evidence demonstrating its impact on protein function have been reported. One clinical diagnostic laboratory has submitted clinical-significance assessments for this variant to ClinVar after 2014 without evidence for independent evaluation, and classified the variant as likely benign. Based on the evidence outlined above, the variant was classified as likely benign.

Labcorp Genetics (formerly Invitae), Labcorp
Classification: Likely benign. Last evaluated: 2017-06-28. Review status: criteria provided, single submitter. Criteria: Invitae Variant Classification Sherloc (09022015). Collection method: clinical testing. Allele origin: germline.

NM_014252.4(SLC25A15):c.623-6C>T

Gene: SLC25A15 (solute carrier family 25 member 15; plus strand). Cytogenetic location: 13q14.11.
Variant type: single nucleotide variant.
Coding change: c.623-6C>T on transcript NM_014252.4 (MANE Select); 6 bases into the intron before coding-DNA position 623, C replaced by T.
Molecular consequence: intron variant.
Genome position (GRCh38, 1-based): chr13:40,808,432, C>T. VCF-style: chr13-40808432-C-T. GRCh37 (hg19) VCF-style: chr13-41382568-C-T.
Identifiers: ClinVar variation 780056 (VCV000780056.4), dbSNP rs1270950524, ClinGen allele CA483461743.